The following is an entry in ClinVar:

NM_023110.3(FGFR1):c.1519C>T (p.Arg507Cys)

Gene: FGFR1 (fibroblast growth factor receptor 1; minus strand). Cytogenetic location: 8p11.23.
Variant type: single nucleotide variant.
Coding change: c.1519C>T on transcript NM_023110.3 (MANE Select); coding-DNA position 1519, C replaced by T.
Protein change: p.Arg507Cys; replaces arginine 507 with cysteine.
Molecular consequence: missense variant.
Genome position (GRCh38, 1-based): chr8:38,417,903, G>A on the plus strand (C>T on the coding strand, the complement: FGFR1 is on the minus strand). VCF-style: chr8-38417903-G-A. GRCh37 (hg19) VCF-style: chr8-38275421-G-A.
Other names: c.1519C>T, p.Arg507Cys (NM_000604.2); c.1513C>T, p.Arg505Cys (NM_001174063.2, NM_001174065.2, NM_001354367.2 and 1 more transcripts); c.1489C>T, p.Arg497Cys (NM_001174064.2); c.1252C>T, p.Arg418Cys (NM_001174066.2, NM_023105.3); c.1612C>T, p.Arg538Cys (NM_001174067.2); c.1240C>T, p.Arg414Cys (NM_001354368.2); c.1507C>T, p.Arg503Cys (NM_001354369.2, NM_001410922.1); c.1246C>T, p.Arg416Cys (NM_001354370.2, NM_023106.3); short protein forms R418C, R497C, R416C, R505C, R538C, R414C, R503C, R507C.
Identifiers: ClinVar variation 1981526 (VCV001981526.4), dbSNP rs776549085, ClinGen allele CA370732974.

ClinVar aggregate classification (germline): Uncertain significance (1 of 4 stars; one submission).

Conditions:
Hypogonadotropic hypogonadism 2 with or without anosmia (HH2). Also called: FGFR1-Related GnRH Deficiency (Kallmann Syndrome 2); HYPOGONADOTROPIC HYPOGONADISM 2 WITH OR WITHOUT ANOSMIA, SUSCEPTIBILITY TO; HYPOGONADOTROPIC HYPOGONADISM 2 WITHOUT ANOSMIA, SUSCEPTIBILITY TO; HYPOGONADOTROPIC HYPOGONADISM 2 WITHOUT ANOSMIA. Identifiers: Orphanet 478, MedGen C1563720, MONDO:0007844, OMIM 147950. Disease mechanism: loss of function.
Pfeiffer syndrome (ACS5). Also called: ACS V. Identifiers: Orphanet 710, MedGen C0220658, MONDO:0007043, OMIM 101600.

gnomAD v4.1: 15 of 1,614,058 alleles (0.00093%); highest among the groups gnomAD compares: African/African-American, 0.0027%; no homozygotes.

Submission:

Labcorp Genetics (formerly Invitae), Labcorp
Classification: Uncertain significance for Pfeiffer syndrome; Hypogonadotropic hypogonadism 2 with or without anosmia. Last evaluated: 2022-05-24. Review status: criteria provided, single submitter. Criteria: Invitae Variant Classification Sherloc (09022015). Collection method: clinical testing. Allele origin: germline.
Comment: In summary, the available evidence is currently insufficient to determine the role of this variant in disease. Therefore, it has been classified as a Variant of Uncertain Significance. Algorithms developed to predict the effect of missense changes on protein structure and function are either unavailable or do not agree on the potential impact of this missense change (SIFT: "Deleterious"; PolyPhen-2: "Probably Damaging"; Align-GVGD: "Class C0"). This variant has not been reported in the literature in individuals affected with FGFR1-related conditions. This variant is present in population databases (no rsID available, gnomAD 0.002%). This sequence change replaces arginine, which is basic and polar, with cysteine, which is neutral and slightly polar, at codon 507 of the FGFR1 protein (p.Arg507Cys).